The following is an entry in ClinVar:

ClinVar aggregate classification (germline): Likely benign. Review status: criteria provided, multiple submitters, no conflicts (2 of 4 stars). 4 submissions from 4 submitters: Likely benign (3). 1 of the submissions does not count toward it. Last evaluated 2024-08-30.

Conditions:
RARS1-related disorder. Also called: RARS1-related condition.

Allele frequency attached by ClinVar (database versions not stated): gnomAD exomes 0.00004 and 0.00016; ExAC 0.00013; gnomAD 0.00029 and 0.00031; ESP Exome Variant Server 0.00031; TOPMed 0.00036; 1000 Genomes Project 0.00040; 1000 Genomes Project 30x 0.00047.
gnomAD v4.1: 114 of 1,613,728 alleles (0.0071%); highest among the groups gnomAD compares: African/African-American, 0.071%; no homozygotes.

Submissions (4):

Blueprint Genetics
Classification: Likely benign. Last evaluated: 2024-08-30. Review status: criteria provided, single submitter. Criteria: ACMG Guidelines, 2015. Collection method: clinical testing. Allele origin: germline.

Labcorp Genetics (formerly Invitae), Labcorp
Classification: Likely benign. Last evaluated: 2022-08-15. Review status: criteria provided, single submitter. Criteria: Invitae Variant Classification Sherloc (09022015). Collection method: clinical testing. Allele origin: germline.

GeneDx
Classification: Likely benign. Last evaluated: 2019-06-17. Review status: criteria provided, single submitter. Criteria: GeneDx Variant Classification Process June 2021. Collection method: clinical testing. Allele origin: germline. Affected: yes.

PreventionGenetics, part of Exact Sciences
Classification: Likely benign for RARS1-related condition. Last evaluated: 2019-10-28. Review status: no assertion criteria provided. Collection method: clinical testing. Allele origin: germline. Not counted in ClinVar's aggregate classification.
Comment: This variant is classified as likely benign based on ACMG/AMP sequence variant interpretation guidelines (Richards et al. 2015 PMID: 25741868, with internal and published modifications).

NM_002887.4(RARS1):c.1696T>C (p.Leu566=)

Gene: RARS1 (arginyl-tRNA synthetase 1; plus strand). Cytogenetic location: 5q34.
Variant type: single nucleotide variant.
Coding change: c.1696T>C on transcript NM_002887.4 (MANE Select); coding-DNA position 1696, T replaced by C.
Protein change: p.Leu566=; no amino-acid change (leucine 566 retained).
Molecular consequence: synonymous variant.
Genome position (GRCh38, 1-based): chr5:168,517,885, T>C. VCF-style: chr5-168517885-T-C. GRCh37 (hg19) VCF-style: chr5-167944890-T-C.
Identifiers: ClinVar variation 509552 (VCV000509552.49), dbSNP rs79948711, ClinGen allele CA3549992.